The following is an entry in ClinVar:

ClinVar aggregate classification (germline): Uncertain significance (1 of 4 stars; one submission).

Conditions:
Hereditary cancer-predisposing syndrome. Also called: Neoplastic Syndromes, Hereditary; Tumor predisposition; Hereditary neoplastic syndrome; Hereditary Cancer Syndrome. Identifiers: Orphanet 140162, MedGen C0027672, MeSH D009386, MONDO:0015356.

Submission:

Ambry Genetics
Classification: Uncertain significance for Hereditary cancer-predisposing syndrome. Last evaluated: 2024-05-01. Review status: criteria provided, single submitter. Criteria: Ambry Variant Classification Scheme 2023. Collection method: clinical testing. Allele origin: germline.
Comment: The c.-3G>C variant is located in the 5' untranslated region (5&rsquo; UTR) of the VHL gene. This variant results from a G to C substitution 3 bases upstream from the first translated codon. This nucleotide position is well conserved in available vertebrate species. Based on the available evidence, the clinical significance of this variant remains unclear.

NM_000551.4(VHL):c.-3G>C

Gene: VHL (von Hippel-Lindau tumor suppressor; plus strand). Cytogenetic location: 3p25.3.
Variant type: single nucleotide variant.
Coding change: c.-3G>C on transcript NM_000551.4 (MANE Select); 3 bases upstream of the start codon, G replaced by C.
Molecular consequence: 5 prime UTR variant. On other transcripts: non-coding transcript variant (1).
Genome position (GRCh38, 1-based): chr3:10,141,845, G>C. VCF-style: chr3-10141845-G-C. GRCh37 (hg19) VCF-style: chr3-10183529-G-C.
Other names: c.-3G>C (NM_001354723.2, NM_198156.3).
Identifiers: ClinVar variation 3332039 (VCV003332039.1).